The following is an entry in ClinVar:

ClinVar aggregate classification (germline): Uncertain significance (1 of 4 stars; one submission).

gnomAD v4.1: 1 of 1,195,660 alleles (0.000084%); highest among the groups gnomAD compares: African/African-American, 0.0017%; no homozygotes.

Submission:

Labcorp Genetics (formerly Invitae), Labcorp
Classification: Uncertain significance. Last evaluated: 2024-12-18. Review status: criteria provided, single submitter. Criteria: Invitae Variant Classification Sherloc (09022015). Collection method: clinical testing. Allele origin: germline.
Comment: This sequence change replaces isoleucine, which is neutral and non-polar, with valine, which is neutral and non-polar, at codon 192 of the GPR143 protein (p.Ile192Val). This variant is not present in population databases (gnomAD no frequency). This variant has not been reported in the literature in individuals affected with GPR143-related conditions. Invitae Evidence Modeling of protein sequence and biophysical properties (such as structural, functional, and spatial information, amino acid conservation, physicochemical variation, residue mobility, and thermodynamic stability) indicates that this missense variant is not expected to disrupt GPR143 protein function with a negative predictive value of 95%. In summary, the available evidence is currently insufficient to determine the role of this variant in disease. Therefore, it has been classified as a Variant of Uncertain Significance.

NM_000273.3(GPR143):c.574A>G (p.Ile192Val)

Gene: GPR143 (G protein-coupled receptor 143; minus strand). Cytogenetic location: Xp22.2.
Variant type: single nucleotide variant.
Coding change: c.574A>G on transcript NM_000273.3 (MANE Select); coding-DNA position 574, A replaced by G.
Protein change: p.Ile192Val; replaces isoleucine 192 with valine.
Molecular consequence: missense variant.
Genome position (GRCh38, 1-based): chrX:9,746,128, T>C on the plus strand (A>G on the coding strand, the complement: GPR143 is on the minus strand). VCF-style: chrX-9746128-T-C. GRCh37 (hg19) VCF-style: chrX-9714168-T-C.
Other names: short protein forms I192V.
Identifiers: ClinVar variation 3720781 (VCV003720781.2).